The following is an entry in ClinVar:

NM_004006.3(DMD):c.5612A>T (p.Lys1871Met)

Gene: DMD (dystrophin; minus strand). Cytogenetic location: Xp21.1.
Variant type: single nucleotide variant.
Coding change: c.5612A>T on transcript NM_004006.3 (MANE Select); coding-DNA position 5612, A replaced by T.
Protein change: p.Lys1871Met; replaces lysine 1871 with methionine.
Molecular consequence: missense variant.
Genome position (GRCh38, 1-based): chrX:32,343,261, T>A on the plus strand (A>T on the coding strand, the complement: DMD is on the minus strand). VCF-style: chrX-32343261-T-A. GRCh37 (hg19) VCF-style: chrX-32361378-T-A.
Other names: c.5588A>T, p.Lys1863Met (NM_000109.4); c.5600A>T, p.Lys1867Met (NM_004009.3); c.5243A>T, p.Lys1748Met (NM_004010.3); c.1589A>T, p.Lys530Met (NM_004011.4); c.1580A>T, p.Lys527Met (NM_004012.4); short protein forms K527M, K1863M, K1867M, K530M, K1871M, K1748M.
Identifiers: ClinVar variation 1036102 (VCV001036102.9), dbSNP rs2097753511, ClinGen allele CA412666340.

ClinVar aggregate classification (germline): Uncertain significance (1 of 4 stars; one submission).

Conditions:
Duchenne muscular dystrophy (DMD). Also called: MUSCULAR DYSTROPHY, PSEUDOHYPERTROPHIC PROGRESSIVE, DUCHENNE TYPE; Duchenne Muscular Dystrophy (DMD). Identifiers: Orphanet 98896, MedGen C0013264, MONDO:0010679, OMIM 310200.

Allele frequency attached by ClinVar (database versions not stated): gnomAD exomes below 0.00001.
gnomAD v4.1: 1 of 1,206,471 alleles (0.000083%); highest among the groups gnomAD compares: Non-Finnish European, 0.00011%; no homozygotes.

Submission:

Labcorp Genetics (formerly Invitae), Labcorp
Classification: Uncertain significance for Duchenne muscular dystrophy. Last evaluated: 2022-06-20. Review status: criteria provided, single submitter. Criteria: Invitae Variant Classification Sherloc (09022015). Collection method: clinical testing. Allele origin: germline.
Comment: This sequence change replaces lysine, which is basic and polar, with methionine, which is neutral and non-polar, at codon 1871 of the DMD protein (p.Lys1871Met). In summary, the available evidence is currently insufficient to determine the role of this variant in disease. Therefore, it has been classified as a Variant of Uncertain Significance. Algorithms developed to predict the effect of missense changes on protein structure and function are either unavailable or do not agree on the potential impact of this missense change (SIFT: "Deleterious"; PolyPhen-2: "Possibly Damaging"; Align-GVGD: "Class C0"). ClinVar contains an entry for this variant (Variation ID: 1036102). This variant has not been reported in the literature in individuals affected with DMD-related conditions. This variant is not present in population databases (gnomAD no frequency).